The following is an entry in ClinVar:

ClinVar aggregate classification (germline): Pathogenic. Review status: criteria provided, multiple submitters, no conflicts (2 of 4 stars). 3 submissions from 3 submitters: Pathogenic (3). Last evaluated 2024-02-02.

Conditions:
Hereditary cancer-predisposing syndrome. Also called: Tumor predisposition; Neoplastic Syndromes, Hereditary; Hereditary neoplastic syndrome; Hereditary Cancer Syndrome. Identifiers: Orphanet 140162, MedGen C0027672, MeSH D009386, MONDO:0015356.
Familial cancer of breast. Also called: Hereditary breast cancer; hereditary breast carcinoma; BREAST CANCER, FAMILIAL. Identifiers: Orphanet 227535, MedGen C0346153, MONDO:0016419, OMIM 114480. Disease mechanism: loss of function.
Ataxia-telangiectasia syndrome (AT). Also called: Ataxia-telangiectasia, complementation group D; AT, COMPLEMENTATION GROUP C; ATAXIA-TELANGIECTASIA, COMPLEMENTATION GROUP A; ATAXIA-TELANGIECTASIA, FRESNO VARIANT; Ataxia-telangiectasia; Ataxia telangiectasia (A-T). Identifiers: Orphanet 100, MedGen C0004135, MONDO:0008840, OMIM 208900.

Submissions (3):

Myriad Genetics, Inc.
Classification: Pathogenic for Familial cancer of breast. Last evaluated: 2024-02-02. Review status: criteria provided, single submitter. Criteria: Myriad Autosomal Dominant, Autosomal Recessive and X-Linked Classification Criteria (2023). Collection method: clinical testing. Allele origin: unknown.
Comment: This variant is considered pathogenic. This variant creates a termination codon and is predicted to result in premature protein truncation.

Ambry Genetics
Classification: Pathogenic for Hereditary cancer-predisposing syndrome. Last evaluated: 2021-10-04. Review status: criteria provided, single submitter. Criteria: Ambry Variant Classification Scheme 2023. Collection method: clinical testing. Allele origin: germline.
Comment: The p.Q2828* pathogenic mutation (also known as c.8482C>T), located in coding exon 57 of the ATM gene, results from a C to T substitution at nucleotide position 8482. This changes the amino acid from a glutamine to a stop codon within coding exon 57. This alteration is expected to result in loss of function by premature protein truncation or nonsense-mediated mRNA decay. As such, this alteration is interpreted as a disease-causing mutation.

Labcorp Genetics (formerly Invitae), Labcorp
Classification: Pathogenic for Ataxia-telangiectasia syndrome. Last evaluated: 2019-07-31. Review status: criteria provided, single submitter. Criteria: Invitae Variant Classification Sherloc (09022015). Collection method: clinical testing. Allele origin: germline.
Comment: This sequence change creates a premature translational stop signal (p.Gln2828*) in the ATM gene. It is expected to result in an absent or disrupted protein product. For these reasons, this variant has been classified as Pathogenic. Loss-of-function variants in ATM are known to be pathogenic (PMID: 23807571, 25614872). This variant has not been reported in the literature in individuals with ATM-related conditions. This variant is not present in population databases (ExAC no frequency).

Literature cited by the submitters: PubMed 23807571 (cited by Labcorp Genetics (formerly Invitae), Labcorp); PubMed 25614872 (cited by Labcorp Genetics (formerly Invitae), Labcorp).

NM_000051.4(ATM):c.8482C>T (p.Gln2828Ter)

Genes: ATM (ATM serine/threonine kinase; plus strand), C11orf65 (chromosome 11 open reading frame 65; minus strand). Cytogenetic location: 11q22.3.
Variant type: single nucleotide variant.
Coding change: c.8482C>T on transcript NM_000051.4 (MANE Select); coding-DNA position 8482, C replaced by T.
Protein change: p.Gln2828Ter; replaces glutamine 2828 with a stop codon.
Molecular consequence: nonsense. On other transcripts: intron variant (2).
Genome position (GRCh38, 1-based): chr11:108,345,806, C>T. VCF-style: chr11-108345806-C-T. GRCh37 (hg19) VCF-style: chr11-108216533-C-T.
Other names: c.8482C>T, p.Gln2828Ter (NM_001351834.2); c.641-36735G>A (NM_001330368.2); c.695-10514G>A (NM_001351110.2); short protein forms Q2828*.
Identifiers: ClinVar variation 947385 (VCV000947385.10), dbSNP rs1555138125, ClinGen allele CA382518055.